The following is an entry in ClinVar:

NM_004304.5(ALK):c.1794G>T (p.Leu598Phe)

Gene: ALK (ALK receptor tyrosine kinase; minus strand). Cytogenetic location: 2p23.2.
Variant type: single nucleotide variant.
Coding change: c.1794G>T on transcript NM_004304.5 (MANE Select); coding-DNA position 1794, G replaced by T.
Protein change: p.Leu598Phe; replaces leucine 598 with phenylalanine.
Molecular consequence: missense variant.
Genome position (GRCh38, 1-based): chr2:29,296,911, C>A on the plus strand (G>T on the coding strand, the complement: ALK is on the minus strand). VCF-style: chr2-29296911-C-A. GRCh37 (hg19) VCF-style: chr2-29519777-C-A.
Other names: short protein forms L598F.
Identifiers: ClinVar variation 662395 (VCV000662395.10), dbSNP rs942266375, ClinGen allele CA346465891.

ClinVar aggregate classification (germline): Uncertain significance. Review status: criteria provided, multiple submitters, no conflicts (2 of 4 stars). 3 submissions from 3 submitters: Uncertain significance (3). Last evaluated 2025-04-12.

Conditions:
Hereditary cancer-predisposing syndrome. Also called: Neoplastic Syndromes, Hereditary; Hereditary neoplastic syndrome; Tumor predisposition; Hereditary Cancer Syndrome. Identifiers: Orphanet 140162, MedGen C0027672, MeSH D009386, MONDO:0015356.
Neuroblastoma, susceptibility to, 3. Also called: ALK-Related Neuroblastic Tumor Susceptibility. Identifiers: Orphanet 635, MedGen C2751681, MONDO:0013083, OMIM 613014.
ALK-related disorder. Also called: ALK-related condition.

Submissions (3):

Ambry Genetics
Classification: Uncertain significance for Hereditary cancer-predisposing syndrome. Last evaluated: 2025-04-12. Review status: criteria provided, single submitter. Criteria: Ambry Variant Classification Scheme 2023. Collection method: clinical testing. Allele origin: germline.
Comment: The p.L598F variant (also known as c.1794G>T), located in coding exon 9 of the ALK gene, results from a G to T substitution at nucleotide position 1794. The leucine at codon 598 is replaced by phenylalanine, an amino acid with highly similar properties. This amino acid position is conserved. In addition, this alteration is predicted to be tolerated by in silico analysis. Based on the available evidence, the clinical significance of this variant remains unclear.

Labcorp Genetics (formerly Invitae), Labcorp
Classification: Uncertain significance for Neuroblastoma, susceptibility to, 3. Last evaluated: 2025-01-23. Review status: criteria provided, single submitter. Criteria: Invitae Variant Classification Sherloc (09022015). Collection method: clinical testing. Allele origin: germline.
Comment: This sequence change replaces leucine, which is neutral and non-polar, with phenylalanine, which is neutral and non-polar, at codon 598 of the ALK protein (p.Leu598Phe). This variant is not present in population databases (gnomAD no frequency). This variant has not been reported in the literature in individuals affected with ALK-related conditions. ClinVar contains an entry for this variant (Variation ID: 662395). An algorithm developed to predict the effect of missense changes on protein structure and function (PolyPhen-2) suggests that this variant is likely to be disruptive. In summary, the available evidence is currently insufficient to determine the role of this variant in disease. Therefore, it has been classified as a Variant of Uncertain Significance.

PreventionGenetics, part of Exact Sciences
Classification: Uncertain significance for ALK-related condition. Last evaluated: 2023-06-16. Review status: criteria provided, single submitter. Criteria: ACMG Guidelines, 2015. Collection method: clinical testing. Allele origin: germline.
Comment: The ALK c.1794G>T variant is predicted to result in the amino acid substitution p.Leu598Phe. To our knowledge, this variant has not been reported in the literature or in a large population database, indicating this variant is rare. At this time, the clinical significance of this variant is uncertain due to the absence of conclusive functional and genetic evidence.